The following is an entry in ClinVar:

ClinVar aggregate classification (germline): Uncertain significance (1 of 4 stars; one submission).

Submission:

Labcorp Genetics (formerly Invitae), Labcorp
Classification: Uncertain significance. Last evaluated: 2024-12-24. Review status: criteria provided, single submitter. Criteria: Invitae Variant Classification Sherloc (09022015). Collection method: clinical testing. Allele origin: germline.
Comment: This sequence change replaces proline, which is neutral and non-polar, with leucine, which is neutral and non-polar, at codon 896 of the ACTN1 protein (p.Pro896Leu). This variant is present in population databases (rs757078973, gnomAD 0.02%). This variant has not been reported in the literature in individuals affected with ACTN1-related conditions. An algorithm developed to predict the effect of missense changes on protein structure and function (PolyPhen-2) suggests that this variant is likely to be tolerated. In summary, the available evidence is currently insufficient to determine the role of this variant in disease. Therefore, it has been classified as a Variant of Uncertain Significance.

NM_001130004.2(ACTN1):c.2687C>T (p.Pro896Leu)

Gene: ACTN1 (actinin alpha 1; minus strand). Cytogenetic location: 14q24.1.
Variant type: single nucleotide variant.
Coding change: c.2687C>T on transcript NM_001130004.2 (MANE Select); coding-DNA position 2687, C replaced by T.
Protein change: p.Pro896Leu; replaces proline 896 with leucine.
Molecular consequence: missense variant.
Genome position (GRCh38, 1-based): chr14:68,874,917, G>A on the plus strand (C>T on the coding strand, the complement: ACTN1 is on the minus strand). VCF-style: chr14-68874917-G-A. GRCh37 (hg19) VCF-style: chr14-69341634-G-A.
Other names: c.2621C>T, p.Pro874Leu (NM_001102.4); c.2606C>T, p.Pro869Leu (NM_001130005.2); c.2630C>T, p.Pro877Leu (NM_001411035.1); c.2426C>T, p.Pro809Leu (NM_001411036.1, NM_001424026.1); c.2750C>T, p.Pro917Leu (NM_001424012.1); c.2747C>T, p.Pro916Leu (NM_001424013.1); c.2735C>T, p.Pro912Leu (NM_001424014.1); c.2708C>T, p.Pro903Leu (NM_001424015.1); and 14 more; short protein forms P599L, P809L, P813L, P847L, P873L, P874L, P882L, P912L.
Identifiers: ClinVar variation 3711702 (VCV003711702.2).